The following is an entry in ClinVar:

NM_004006.3(DMD):c.9352G>T (p.Ala3118Ser)

Gene: DMD (dystrophin; minus strand). Cytogenetic location: Xp21.2.
Variant type: single nucleotide variant.
Coding change: c.9352G>T on transcript NM_004006.3 (MANE Select); coding-DNA position 9352, G replaced by T.
Protein change: p.Ala3118Ser; replaces alanine 3118 with serine.
Molecular consequence: missense variant.
Genome position (GRCh38, 1-based): chrX:31,223,056, C>A on the plus strand (G>T on the coding strand, the complement: DMD is on the minus strand). VCF-style: chrX-31223056-C-A. GRCh37 (hg19) VCF-style: chrX-31241173-C-A.
Other names: c.9328G>T, p.Ala3110Ser (NM_000109.4); c.9340G>T, p.Ala3114Ser (NM_004009.3); c.8983G>T, p.Ala2995Ser (NM_004010.3); c.5329G>T, p.Ala1777Ser (NM_004011.4); c.5320G>T, p.Ala1774Ser (NM_004012.4); c.1972G>T, p.Ala658Ser (NM_004013.3, NM_004020.4, NM_004021.3 and 2 more transcripts); c.1165G>T, p.Ala389Ser (NM_004014.3); c.148G>T, p.Ala50Ser (NM_004015.3, NM_004016.3, NM_004017.3 and 2 more transcripts); short protein forms A3118S, A1774S, A1777S, A3114S, A389S, A658S, A3110S, A2995S.
Identifiers: ClinVar variation 520520 (VCV000520520.22), dbSNP rs200928985, ClinGen allele CA10377828.

ClinVar aggregate classification (germline): Conflicting classifications of pathogenicity. Review status: criteria provided, conflicting classifications (1 of 4 stars). 6 submissions from 6 submitters: Uncertain significance (5); Likely benign (1). Last evaluated 2025-12-31.

Conditions:
Cardiovascular phenotype. Identifiers: MedGen CN230736.
Primary familial dilated cardiomyopathy (FDC). Also called: Hypokinetic dilated cardiomyopathy, familial; Familial dilated cardiomyopathy. Identifiers: Orphanet 217607, MedGen C0340427, MONDO:0016333.
Dilated cardiomyopathy 3B (CMD3B). Also called: CMD3B: DMD-Related Dilated Cardiomyopathy; CARDIOMYOPATHY, DILATED, X-LINKED; DMD-Associated Dilated Cardiomyopathy. Identifiers: Orphanet 154, MedGen C3668940, MONDO:0010542, OMIM 302045.
Becker muscular dystrophy (BMD). Also called: Becker Muscular Dystrophy (BMD); MUSCULAR DYSTROPHY, PSEUDOHYPERTROPHIC PROGRESSIVE, BECKER TYPE. Identifiers: Orphanet 98895, MedGen C0917713, MONDO:0010311, OMIM 300376.
Duchenne muscular dystrophy (DMD). Also called: Duchenne Muscular Dystrophy (DMD); MUSCULAR DYSTROPHY, PSEUDOHYPERTROPHIC PROGRESSIVE, DUCHENNE TYPE. Identifiers: Orphanet 98896, MedGen C0013264, MONDO:0010679, OMIM 310200.

Allele frequency attached by ClinVar (database versions not stated): ExAC 0.00001; TOPMed 0.00005.
gnomAD v4.1: 42 of 1,207,203 alleles (0.0035%); highest among the groups gnomAD compares: Non-Finnish European, 0.0046%; no homozygotes.

Submissions (6):

Labcorp Genetics (formerly Invitae), Labcorp
Classification: Likely benign for Duchenne muscular dystrophy. Last evaluated: 2025-12-31. Review status: criteria provided, single submitter. Criteria: Invitae Variant Classification Sherloc (09022015). Collection method: clinical testing. Allele origin: germline.

Pars Genome Lab
Classification: Uncertain significance for Duchenne muscular dystrophy. Last evaluated: 2021-05-18. Review status: criteria provided, single submitter. Criteria: ACMG Guidelines, 2015. Collection method: clinical testing. Allele origin: germline. Affected: no.

Ambry Genetics
Classification: Uncertain significance for Cardiovascular phenotype. Last evaluated: 2021-01-26. Review status: criteria provided, single submitter. Criteria: Ambry Variant Classification Scheme 2023. Collection method: clinical testing. Allele origin: germline.
Comment: The p.A3118S variant (also known as c.9352G>T), located in coding exon 64 of the DMD gene, results from a G to T substitution at nucleotide position 9352. The alanine at codon 3118 is replaced by serine, an amino acid with similar properties. This amino acid position is highly conserved in available vertebrate species. Based on data from gnomAD, the T allele has an overall frequency of 0.004% (8/183500) total alleles studied, with 2 hemizygote(s) observed. The highest observed frequency was 0.01% (8/81942) of non-Finnish European alleles. In addition, this alteration is predicted to be tolerated by in silico analysis. Since supporting evidence is limited at this time, the clinical significance of this alteration remains unclear.

Athena Diagnostics
Classification: Uncertain significance. Last evaluated: 2020-01-03. Review status: criteria provided, single submitter. Criteria: Athena Diagnostics Criteria. Collection method: clinical testing. Allele origin: unknown.

Fulgent Genetics
Classification: Uncertain significance for Becker muscular dystrophy; Dilated cardiomyopathy 3B; Duchenne muscular dystrophy. Last evaluated: 2018-10-31. Review status: criteria provided, single submitter. Criteria: ACMG Guidelines, 2015. Collection method: clinical testing. Allele origin: unknown.

Molecular Diagnostic Laboratory for Inherited Cardiovascular Disease, Montreal Heart Institute
Classification: Uncertain significance for Primary familial dilated cardiomyopathy. Last evaluated: 2017-07-18. Review status: criteria provided, single submitter. Criteria: ACMG Guidelines, 2015. Collection method: clinical testing. Allele origin: germline. Affected: yes.

Literature cited by the submitters: PubMed 26743743 (cited by Athena Diagnostics).